The following is an entry in ClinVar:

NM_145239.3(PRRT2):c.513G>T (p.Leu171=)

Genes: MVP-DT (MVP divergent transcript; minus strand), PRRT2 (proline rich transmembrane protein 2; plus strand). Cytogenetic location: 16p11.2.
Variant type: single nucleotide variant.
Coding change: c.513G>T on transcript NM_145239.3 (MANE Select); coding-DNA position 513, G replaced by T.
Protein change: p.Leu171=; no amino-acid change (leucine 171 retained).
Molecular consequence: synonymous variant.
Genome position (GRCh38, 1-based): chr16:29,813,567, G>T. VCF-style: chr16-29813567-G-T. GRCh37 (hg19) VCF-style: chr16-29824888-G-T.
Other names: c.513G>T, p.Leu171= (NM_001256442.2, NM_001256443.2, NM_001438120.1 and 2 more transcripts).
Identifiers: ClinVar variation 4994377 (VCV004994377.1).

ClinVar aggregate classification (germline): Likely benign (1 of 4 stars; one submission).

Conditions:
PRRT2-Related Disorder. Also called: PRRT2-related disorders. Identifiers: MedGen CN381059.

Submission:

PreventionGenetics, part of Exact Sciences
Classification: Likely benign for PRRT2-related condition. Last evaluated: 2025-12-04. Review status: criteria provided, single submitter. Criteria: ACMG Guidelines, 2015. Collection method: clinical testing. Allele origin: germline.
Comment: This variant is classified as likely benign based on ACMG/AMP sequence variant interpretation guidelines (Richards et al. 2015 PMID: 25741868, with internal and published modifications).